The following is an entry in ClinVar:

NM_000732.6(CD3D):c.386A>G (p.Glu129Gly)

Gene: CD3D (CD3 delta subunit of T-cell receptor complex; minus strand). Cytogenetic location: 11q23.3.
Variant type: single nucleotide variant.
Coding change: c.386A>G on transcript NM_000732.6 (MANE Select); coding-DNA position 386, A replaced by G.
Protein change: p.Glu129Gly; replaces glutamic acid 129 with glycine.
Molecular consequence: missense variant. On other transcripts: intron variant (1).
Genome position (GRCh38, 1-based): chr11:118,339,795, T>C on the plus strand (A>G on the coding strand, the complement: CD3D is on the minus strand). VCF-style: chr11-118339795-T-C. GRCh37 (hg19) VCF-style: chr11-118210510-T-C.
Other names: c.275-301A>G (NM_001040651.2); short protein forms E129G.
Identifiers: ClinVar variation 636432 (VCV000636432.5), dbSNP rs200132045, ClinGen allele CA6301925.
Genomic context (GRCh38, chr11:118,339,795, plus strand): 5'-CACACACAAACACACTCTCATGCTCTGCTCTTCCACTAACCCCCAGACAGCCTTCCAGTC[T>C]CATGTCCAGCAAAGCAGAAGACTCCCAAAGCAAGGAGCAGAGTGGCAATGACATCAGTGA-3'
Protein context (NP_000723.1, residues 119-139): ALGVFCFAGH[Glu129Gly]TGRLSGAADT

ClinVar aggregate classification (germline): Uncertain significance. Review status: criteria provided, multiple submitters, no conflicts (2 of 4 stars). 3 submissions from 3 submitters: Uncertain significance (3). Last evaluated 2025-10-22.

Conditions:
Inborn genetic diseases. Identifiers: MedGen C0950123, MeSH D030342.
Immunodeficiency 19 (IMD19). Also called: CD3-DELTA DEFICIENCY; SEVERE COMBINED IMMUNODEFICIENCY, T CELL-NEGATIVE, B CELL-POSITIVE, NK CELL-POSITIVE; SCID, T CELL-NEGATIVE, B CELL-POSITIVE, NK CELL-POSITIVE; IMMUNODEFICIENCY 19, SEVERE COMBINED. Identifiers: MedGen C3810147, MONDO:0014280, OMIM 615617.

Allele frequency attached by ClinVar (database versions not stated): TOPMed 0.00001; ExAC 0.00002; gnomAD 0.00003 and 0.00004; gnomAD exomes 0.00003.
gnomAD v4.1: 46 of 1,612,948 alleles (0.0029%); highest among the groups gnomAD compares: Non-Finnish European, 0.0037%; no homozygotes.

Submissions (3):

Ambry Genetics
Classification: Uncertain significance for Inborn genetic diseases. Last evaluated: 2025-10-22. Review status: criteria provided, single submitter. Criteria: Ambry Variant Classification Scheme 2023. Collection method: clinical testing. Allele origin: germline.

Labcorp Genetics (formerly Invitae), Labcorp
Classification: Uncertain significance for Immunodeficiency 19. Last evaluated: 2022-04-04. Review status: criteria provided, single submitter. Criteria: Invitae Variant Classification Sherloc (09022015). Collection method: clinical testing. Allele origin: germline.
Comment: This sequence change replaces glutamic acid, which is acidic and polar, with glycine, which is neutral and non-polar, at codon 129 of the CD3D protein (p.Glu129Gly). This variant is present in population databases (rs200132045, gnomAD 0.006%). This variant has not been reported in the literature in individuals affected with CD3D-related conditions. ClinVar contains an entry for this variant (Variation ID: 636432). Algorithms developed to predict the effect of missense changes on protein structure and function are either unavailable or do not agree on the potential impact of this missense change (SIFT: "Deleterious"; PolyPhen-2: "Probably Damaging"; Align-GVGD: "Class C15"). In summary, the available evidence is currently insufficient to determine the role of this variant in disease. Therefore, it has been classified as a Variant of Uncertain Significance.

Blueprint Genetics
Classification: Uncertain significance. Last evaluated: 2020-11-19. Review status: criteria provided, single submitter. Criteria: ACMG Guidelines, 2015. Collection method: clinical testing. Allele origin: germline.